The following is an entry in ClinVar:

NM_004655.4(AXIN2):c.1451G>A (p.Gly484Asp)

Gene: AXIN2 (axin 2; minus strand). Cytogenetic location: 17q24.1.
Variant type: single nucleotide variant.
Coding change: c.1451G>A on transcript NM_004655.4 (MANE Select); coding-DNA position 1451, G replaced by A.
Protein change: p.Gly484Asp; replaces glycine 484 with aspartic acid.
Molecular consequence: missense variant.
Genome position (GRCh38, 1-based): chr17:65,537,585, C>T on the plus strand (G>A on the coding strand, the complement: AXIN2 is on the minus strand). VCF-style: chr17-65537585-C-T. GRCh37 (hg19) VCF-style: chr17-63533703-C-T.
Other names: c.1451G>A, p.Gly484Asp (NM_001363813.1); short protein forms G484D.
Identifiers: ClinVar variation 2451643 (VCV002451643.6), dbSNP rs2144462482, ClinGen allele CA400677474.

ClinVar aggregate classification (germline): Uncertain significance. Review status: criteria provided, multiple submitters, no conflicts (2 of 4 stars). 2 submissions from 2 submitters: Uncertain significance (2). Last evaluated 2025-07-24.

Conditions:
Oligodontia-cancer predisposition syndrome. Also called: TOOTH AGENESIS-COLORECTAL CANCER SYNDROME. Identifiers: Orphanet 300576, MedGen C1837750, MONDO:0012075, OMIM 608615. Disease mechanism: loss of function.
Hereditary cancer-predisposing syndrome. Also called: Neoplastic Syndromes, Hereditary; Tumor predisposition; Hereditary neoplastic syndrome; Hereditary Cancer Syndrome. Identifiers: Orphanet 140162, MedGen C0027672, MeSH D009386, MONDO:0015356.

Submissions (2):

Ambry Genetics
Classification: Uncertain significance for Hereditary cancer-predisposing syndrome. Last evaluated: 2025-07-24. Review status: criteria provided, single submitter. Criteria: Ambry Variant Classification Scheme 2023. Collection method: clinical testing. Allele origin: germline.
Comment: The p.G484D variant (also known as c.1451G>A), located in coding exon 5 of the AXIN2 gene, results from a G to A substitution at nucleotide position 1451. The glycine at codon 484 is replaced by aspartic acid, an amino acid with similar properties. This amino acid position is well conserved in available vertebrate species. In addition, the in silico prediction for this alteration is inconclusive. Based on the available evidence, the clinical significance of this variant remains unclear.

Labcorp Genetics (formerly Invitae), Labcorp
Classification: Uncertain significance for Oligodontia-cancer predisposition syndrome. Last evaluated: 2023-01-25. Review status: criteria provided, single submitter. Criteria: Invitae Variant Classification Sherloc (09022015). Collection method: clinical testing. Allele origin: germline.
Comment: In summary, the available evidence is currently insufficient to determine the role of this variant in disease. Therefore, it has been classified as a Variant of Uncertain Significance. Advanced modeling of protein sequence and biophysical properties (such as structural, functional, and spatial information, amino acid conservation, physicochemical variation, residue mobility, and thermodynamic stability) performed at Invitae indicates that this missense variant is not expected to disrupt AXIN2 protein function. This variant has not been reported in the literature in individuals affected with AXIN2-related conditions. This variant is not present in population databases (gnomAD no frequency). This sequence change replaces glycine, which is neutral and non-polar, with aspartic acid, which is acidic and polar, at codon 484 of the AXIN2 protein (p.Gly484Asp).